The following is an entry in ClinVar:

ClinVar aggregate classification (germline): Likely pathogenic (1 of 4 stars; one submission).

Conditions:
COG8-related disorder. Also called: COG8-related condition.

Allele frequency attached by ClinVar (database versions not stated): gnomAD 0.00001; TOPMed 0.00001; ExAC 0.00005.
gnomAD v4.1: 23 of 1,614,000 alleles (0.0014%); highest among the groups gnomAD compares: Admixed American, 0.0017%; no homozygotes.

Submission:

PreventionGenetics, part of Exact Sciences
Classification: Likely pathogenic for COG8-related condition. Last evaluated: 2026-03-12. Review status: criteria provided, single submitter. Criteria: ACMG Guidelines, 2015. Collection method: clinical testing. Allele origin: germline.
Comment: The COG8 c.547C>T variant is predicted to result in premature protein termination (p.Arg183*). To our knowledge, this variant has not been reported in the literature. This variant is reported in 0.0053% of alleles in individuals of European (Non-Finnish) descent in gnomAD. Nonsense variants in COG8 are expected to be pathogenic. This variant is interpreted as likely pathogenic.

NM_032382.5(COG8):c.547C>T (p.Arg183Ter)

Gene: COG8 (component of oligomeric golgi complex 8; minus strand). Cytogenetic location: 16q22.1.
Variant type: single nucleotide variant.
Coding change: c.547C>T on transcript NM_032382.5 (MANE Select); coding-DNA position 547, C replaced by T.
Protein change: p.Arg183Ter; replaces arginine 183 with a stop codon.
Molecular consequence: nonsense.
Genome position (GRCh38, 1-based): chr16:69,336,543, G>A on the plus strand (C>T on the coding strand, the complement: COG8 is on the minus strand). VCF-style: chr16-69336543-G-A. GRCh37 (hg19) VCF-style: chr16-69370446-G-A.
Other names: c.547C>T, p.Arg183Ter (NM_001374871.1, NM_001379261.1, NM_001379262.1 and 4 more transcripts); short protein forms R183*.
Identifiers: ClinVar variation 2628993 (VCV002628993.2), dbSNP rs201289118, ClinGen allele CA8133932.
Genomic context (GRCh38, chr16:69,336,543, plus strand): 5'-CCTCTCTGGGCAAGGTGGCTACCTGGATGACAGGGATGGAAGAGTATTTCCTCTCCAGTC[G>A]GCGTACGTAGGCTGCAAGCTCCAGGGCCTCTTCATAATAACTGTTCCGGACACAGGTGTC-3'